The following is an entry in ClinVar:

ClinVar aggregate classification (germline): Uncertain significance (1 of 4 stars; one submission).

Allele frequency attached by ClinVar (database versions not stated): gnomAD exomes below 0.00001; gnomAD 0.00001.
gnomAD v4.1: 6 of 1,605,022 alleles (0.00037%); highest among the groups gnomAD compares: African/African-American, 0.0027%; no homozygotes.

Submission:

CeGaT Center for Human Genetics Tuebingen
Classification: Uncertain significance. Last evaluated: 2023-11-01. Review status: criteria provided, single submitter. Criteria: CeGaT Center For Human Genetics Tuebingen Variant Classification Criteria Version 2. Collection method: clinical testing. Allele origin: germline. Affected: yes. Observed: 1 variant allele.
Comment: DNM1: PP2

NM_004408.4(DNM1):c.1564C>T (p.Arg522Cys)

Gene: DNM1 (dynamin 1; plus strand). Cytogenetic location: 9q34.11.
Variant type: single nucleotide variant.
Coding change: c.1564C>T on transcript NM_004408.4 (MANE Select); coding-DNA position 1564, C replaced by T.
Protein change: p.Arg522Cys; replaces arginine 522 with cysteine.
Molecular consequence: missense variant.
Genome position (GRCh38, 1-based): chr9:128,242,238, C>T. VCF-style: chr9-128242238-C-T. GRCh37 (hg19) VCF-style: chr9-131004517-C-T.
Other names: c.1564C>T, p.Arg522Cys (NM_001005336.3, NM_001288737.2, NM_001288738.2 and 2 more transcripts); short protein forms R522C.
Identifiers: ClinVar variation 2673192 (VCV002673192.23), dbSNP rs1275813509, ClinGen allele CA375025740.